The following is an entry in ClinVar:

NM_001006658.3(CR2):c.1915A>C (p.Ser639Arg)

Gene: CR2 (complement C3d receptor 2; plus strand). Cytogenetic location: 1q32.2.
Variant type: single nucleotide variant.
Coding change: c.1915A>C on transcript NM_001006658.3 (MANE Select); coding-DNA position 1915, A replaced by C.
Protein change: p.Ser639Arg; replaces serine 639 with arginine.
Molecular consequence: missense variant.
Genome position (GRCh38, 1-based): chr1:207,473,116, A>C. VCF-style: chr1-207473116-A-C. GRCh37 (hg19) VCF-style: chr1-207646461-A-C.
Other names: c.1915A>C, p.Ser639Arg (NM_001877.5); short protein forms S639R.
Identifiers: ClinVar variation 1008212 (VCV001008212.6), dbSNP rs144121329, ClinGen allele CA1368822.

ClinVar aggregate classification (germline): Uncertain significance (1 of 4 stars; one submission).

Conditions:
Immunodeficiency, common variable, 7. Identifiers: Orphanet 1572, Orphanet 696894, MedGen C3542922, MONDO:0013862, OMIM 614699.

Allele frequency attached by ClinVar (database versions not stated): gnomAD exomes 0.00003 and below 0.00001; ExAC 0.00004; gnomAD 0.00004 and 0.00003; 1000 Genomes Project 30x 0.00016; 1000 Genomes Project 0.00020; TOPMed 0.00006; ESP Exome Variant Server 0.00008.
gnomAD v4.1: 11 of 1,614,020 alleles (0.00068%); highest among the groups gnomAD compares: African/African-American, 0.012%; no homozygotes.

Submission:

Labcorp Genetics (formerly Invitae), Labcorp
Classification: Uncertain significance for Immunodeficiency, common variable, 7. Last evaluated: 2022-07-06. Review status: criteria provided, single submitter. Criteria: Invitae Variant Classification Sherloc (09022015). Collection method: clinical testing. Allele origin: germline.
Comment: This sequence change replaces serine, which is neutral and polar, with arginine, which is basic and polar, at codon 639 of the CR2 protein (p.Ser639Arg). This variant is present in population databases (rs144121329, gnomAD 0.03%). This variant has not been reported in the literature in individuals affected with CR2-related conditions. ClinVar contains an entry for this variant (Variation ID: 1008212). Algorithms developed to predict the effect of missense changes on protein structure and function are either unavailable or do not agree on the potential impact of this missense change (SIFT: "Deleterious"; PolyPhen-2: "Possibly Damaging"; Align-GVGD: "Class C0"). In summary, the available evidence is currently insufficient to determine the role of this variant in disease. Therefore, it has been classified as a Variant of Uncertain Significance.